The following is an entry in ClinVar:

ClinVar aggregate classification (germline): Uncertain significance. Review status: criteria provided, single submitter (1 of 4 stars). 2 submissions from 2 submitters: Uncertain significance (1). 1 of the submissions does not count toward it. Last evaluated 2022-02-17.

Conditions:
Fanconi anemia (FA). Also called: Fanconi's anemia. Identifiers: Orphanet 84, MedGen C0015625, MeSH D005199, MONDO:0019391.
Fanconi anemia complementation group A (FANCA). Also called: Fanconi anemia, group A; FANCA-Related Fanconi Anemia. Identifiers: Orphanet 84, MedGen C3469521, MONDO:0009215, OMIM 227650.

Allele frequency attached by ClinVar (database versions not stated): gnomAD exomes 0.00002 and 0.00004; ExAC 0.00003.
gnomAD v4.1: 29 of 1,613,144 alleles (0.0018%); highest among the groups gnomAD compares: South Asian, 0.027%; no homozygotes.

Submissions (2):

Labcorp Genetics (formerly Invitae), Labcorp
Classification: Uncertain significance for Fanconi anemia. Last evaluated: 2022-02-17. Review status: criteria provided, single submitter. Criteria: Invitae Variant Classification Sherloc (09022015). Collection method: clinical testing. Allele origin: germline.
Comment: This sequence change falls in intron 18 of the FANCA gene. It does not directly change the encoded amino acid sequence of the FANCA protein. It affects a nucleotide within the consensus splice site. This variant is present in population databases (rs760855591, gnomAD 0.03%). This variant has not been reported in the literature in individuals affected with FANCA-related conditions. ClinVar contains an entry for this variant (Variation ID: 853271). Variants that disrupt the consensus splice site are a relatively common cause of aberrant splicing (PMID: 17576681, 9536098). Algorithms developed to predict the effect of sequence changes on RNA splicing suggest that this variant is not likely to affect RNA splicing. In summary, the available evidence is currently insufficient to determine the role of this variant in disease. Therefore, it has been classified as a Variant of Uncertain Significance.

Natera, Inc.
Classification: Uncertain significance for Fanconi anemia, group A. Last evaluated: 2020-09-16. Review status: no assertion criteria provided. Collection method: clinical testing. Allele origin: germline. Not counted in ClinVar's aggregate classification.

Literature cited by the submitters: PubMed 17576681 (cited by Labcorp Genetics (formerly Invitae), Labcorp); PubMed 9536098 (cited by Labcorp Genetics (formerly Invitae), Labcorp).

NM_000135.4(FANCA):c.1716-3C>T

Gene: FANCA (FA complementation group A; minus strand). Cytogenetic location: 16q24.3.
Variant type: single nucleotide variant.
Coding change: c.1716-3C>T on transcript NM_000135.4 (MANE Select); 3 bases into the intron before coding-DNA position 1716, C replaced by T.
Molecular consequence: intron variant.
Genome position (GRCh38, 1-based): chr16:89,779,006, G>A on the plus strand (C>T on the coding strand, the complement: FANCA is on the minus strand). VCF-style: chr16-89779006-G-A. GRCh37 (hg19) VCF-style: chr16-89845414-G-A.
Other names: c.1716-3C>T (NM_001286167.3).
Identifiers: ClinVar variation 853271 (VCV000853271.7), dbSNP rs760855591, ClinGen allele CA8252131.